The following is an entry in ClinVar:

NM_138701.4(MPLKIP):c.259C>G (p.Pro87Ala)

Gene: MPLKIP (M-phase specific PLK1 interacting protein; minus strand). Cytogenetic location: 7p14.1.
Variant type: single nucleotide variant.
Coding change: c.259C>G on transcript NM_138701.4 (MANE Select); coding-DNA position 259, C replaced by G.
Protein change: p.Pro87Ala; replaces proline 87 with alanine.
Molecular consequence: missense variant.
Genome position (GRCh38, 1-based): chr7:40,134,309, G>C on the plus strand (C>G on the coding strand, the complement: MPLKIP is on the minus strand). VCF-style: chr7-40134309-G-C. GRCh37 (hg19) VCF-style: chr7-40173908-G-C.
Other names: c.259C>G (NM_138701.3); short protein forms P87A.
Identifiers: ClinVar variation 1499425 (VCV001499425.6), dbSNP rs373126255, ClinGen allele CA4229213.

ClinVar aggregate classification (germline): Uncertain significance. Review status: criteria provided, multiple submitters, no conflicts (2 of 4 stars). 2 submissions from 2 submitters: Uncertain significance (2). Last evaluated 2025-09-09.

Conditions:
Inborn genetic diseases. Identifiers: MedGen C0950123, MeSH D030342.

Allele frequency attached by ClinVar (database versions not stated): gnomAD exomes 0.00001; ExAC 0.00006; gnomAD 0.00007 and 0.00008; ESP Exome Variant Server 0.00008; TOPMed 0.00010.
gnomAD v4.1: 21 of 1,556,870 alleles (0.0013%); highest among the groups gnomAD compares: African/African-American, 0.024%; no homozygotes.

Submissions (2):

Ambry Genetics
Classification: Uncertain significance for Inborn genetic diseases. Last evaluated: 2025-09-09. Review status: criteria provided, single submitter. Criteria: Ambry Variant Classification Scheme 2023. Collection method: clinical testing. Allele origin: germline.

Labcorp Genetics (formerly Invitae), Labcorp
Classification: Uncertain significance. Last evaluated: 2022-06-08. Review status: criteria provided, single submitter. Criteria: Invitae Variant Classification Sherloc (09022015). Collection method: clinical testing. Allele origin: germline.
Comment: This sequence change replaces proline, which is neutral and non-polar, with alanine, which is neutral and non-polar, at codon 87 of the MPLKIP protein (p.Pro87Ala). This variant is present in population databases (rs373126255, gnomAD 0.02%). This variant has not been reported in the literature in individuals affected with MPLKIP-related conditions. Algorithms developed to predict the effect of missense changes on protein structure and function are either unavailable or do not agree on the potential impact of this missense change (SIFT: "Tolerated"; PolyPhen-2: "Possibly Damaging"; Align-GVGD: "Class C0"). In summary, the available evidence is currently insufficient to determine the role of this variant in disease. Therefore, it has been classified as a Variant of Uncertain Significance.